The following is an entry in ClinVar:

ClinVar aggregate classification (germline): Benign. Review status: criteria provided, multiple submitters, no conflicts (2 of 4 stars). 10 submissions from 9 submitters: Benign (10). Last evaluated 2026-02-04.

Conditions:
STAT3-related early-onset multisystem autoimmune disease. Also called: Autoimmune disease, multisystem, infantile-onset, 1. Identifiers: Orphanet 438159, MedGen C4014795, MONDO:0014414, OMIM 615952.
Hyper-IgE recurrent infection syndrome 1, autosomal dominant. Also called: Job's Syndrome; JOB SYNDROME; Hyper-IgE recurrent infection syndrome 1; HYPER-IgE SYNDROME 1, AUTOSOMAL DOMINANT, WITH RECURRENT INFECTIONS; STAT3 Hyper IgE Syndrome. Identifiers: Orphanet 2314, MedGen C2936739, MONDO:0007818, OMIM 147060.
STAT3 gain of function. Identifiers: MedGen C4288261.

Submissions (10):

Labcorp Genetics (formerly Invitae), Labcorp
Classification: Benign for STAT3 gain of function; Hyper-IgE recurrent infection syndrome 1, autosomal dominant. Last evaluated: 2026-02-04. Review status: criteria provided, single submitter. Criteria: Invitae Variant Classification Sherloc (09022015). Collection method: clinical testing. Allele origin: germline.

Blueprint Genetics
Classification: Benign. Last evaluated: 2024-11-27. Review status: criteria provided, single submitter. Criteria: ACMG Guidelines, 2015. Collection method: clinical testing. Allele origin: germline.

Unidad de Genómica Garrahan, Hospital de Pediatría Garrahan
Classification: Benign. Last evaluated: 2023-11-12. Review status: criteria provided, single submitter. Criteria: ACMG Guidelines, 2015. Collection method: clinical testing. Allele origin: germline. Affected: no. Observed: 34 variant alleles.
Comment: This variant is classified as Benign based on local population frequency. This variant was detected in 35% of patients studied by a panel of primary immunodeficiencies. Number of patients: 34. Only high quality variants are reported.

Fulgent Genetics
Classification: Benign for Hyper-IgE recurrent infection syndrome 1, autosomal dominant; STAT3-related early-onset multisystem autoimmune disease. Last evaluated: 2022-04-06. Review status: criteria provided, single submitter. Criteria: ACMG Guidelines, 2015. Collection method: clinical testing. Allele origin: unknown.

Genome-Nilou Lab
Classification: Benign for STAT3-related early-onset multisystem autoimmune disease. Last evaluated: 2021-07-15. Review status: criteria provided, single submitter. Criteria: ACMG Guidelines, 2015. Collection method: clinical testing. Allele origin: germline. Affected: no.

Genome-Nilou Lab
Classification: Benign for Hyper-IgE recurrent infection syndrome 1, autosomal dominant. Last evaluated: 2021-07-15. Review status: criteria provided, single submitter. Criteria: ACMG Guidelines, 2015. Collection method: clinical testing. Allele origin: germline. Affected: no.

Mayo Clinic Laboratories, Mayo Clinic
Classification: Benign. Last evaluated: 2018-10-16. Review status: criteria provided, single submitter. Criteria: ACMG Guidelines, 2015. Collection method: clinical testing. Allele origin: germline. Observed: 453 variant alleles.

GeneDx
Classification: Benign. Last evaluated: 2018-06-08. Review status: criteria provided, single submitter. Criteria: GeneDx Variant Classification Process June 2021. Collection method: clinical testing. Allele origin: germline. Affected: yes.

Laboratory for Molecular Medicine, Mass General Brigham Personalized Medicine
Classification: Benign. Last evaluated: 2013-10-30. Review status: criteria provided, single submitter. Criteria: LMM Criteria. Collection method: clinical testing. Allele origin: germline. Observed: 33 variant alleles.
Comment: Benign based on high population prevalence

PreventionGenetics, part of Exact Sciences
Classification: Benign. Review status: criteria provided, single submitter. Criteria: ACMG Guidelines, 2015. Collection method: clinical testing. Allele origin: germline.

NM_139276.3(STAT3):c.1601-10dup

Gene: STAT3 (signal transducer and activator of transcription 3; minus strand). Cytogenetic location: 17q21.2.
Variant type: Duplication.
Coding change: c.1601-10dup on transcript NM_139276.3 (MANE Select); 10 bases into the intron before coding-DNA position 1601, one base duplicated (T; older notation c.1601-10dupT).
Genome position (GRCh38, 1-based): chr17:42,323,633, A duplicated on the plus strand (T on the coding strand, the reverse complement: STAT3 is on the minus strand); the first of 3 consecutive A bases (chr17:42,323,633-42,323,635); duplicating any one gives the same sequence. VCF-style (leftmost placement, unchanged base first): chr17-42323632-G-GA. GRCh37 (hg19) VCF-style: chr17-40475650-G-GA.
Other names: p.?; c.1601-8dup (NM_139276.3, NM_139276.2); c.1601-10dup (NM_001369519.1, NM_003150.4, NM_001369517.1 and 7 more transcripts); c.1601-8dupT (NM_139276.2).
Identifiers: ClinVar variation 165294 (VCV000165294.27), dbSNP rs3830585, ClinGen allele CA178033.
Genomic context (GRCh38, chr17:42,323,632, plus strand): 5'-CTTTGCAAAATTTAGCCCATGTGATCTGACACCCTGAATAATTCACACCAGGTCCTGAAG[G>GA]AAAGAAAAAGAGTCAAGTAGTACATTTTCAGCTTGGGGTCAAGAGGTTATTTCTTAAAAC-3'